The following is an entry in ClinVar:

NM_024422.6(DSC2):c.1966C>T (p.Leu656Phe)

Gene: DSC2 (desmocollin 2; minus strand). Cytogenetic location: 18q12.1.
Variant type: single nucleotide variant.
Coding change: c.1966C>T on transcript NM_024422.6 (MANE Select); coding-DNA position 1966, C replaced by T.
Protein change: p.Leu656Phe; replaces leucine 656 with phenylalanine.
Molecular consequence: missense variant.
Genome position (GRCh38, 1-based): chr18:31,071,764, G>A on the plus strand (C>T on the coding strand, the complement: DSC2 is on the minus strand). VCF-style: chr18-31071764-G-A. GRCh37 (hg19) VCF-style: chr18-28651730-G-A.
Other names: c.1966C>T, p.Leu656Phe (NM_004949.5); short protein forms L656F.
Identifiers: ClinVar variation 1171909 (VCV001171909.4), dbSNP rs2144791442, ClinGen allele CA402113260.

ClinVar aggregate classification (germline): Uncertain significance (1 of 4 stars; one submission).

Conditions:
Cardiomyopathy (CMYO). Also called: Cardiomyopathies. Identifiers: Orphanet 167848, MedGen C0878544, MONDO:0004994, HP:0001638. Inheritance: Various modes of inheritance.

Submission:

Color Diagnostics, LLC DBA Color Health
Classification: Uncertain significance for Cardiomyopathy. Last evaluated: 2024-03-07. Review status: criteria provided, single submitter. Criteria: ACMG Guidelines, 2015. Collection method: clinical testing. Allele origin: germline.
Comment: This missense variant replaces leucine with phenylalanine at codon 656 of the DSC2 protein. Computational prediction suggests that this variant may not impact protein structure and function (internally defined REVEL score threshold <= 0.5, PMID: 27666373). To our knowledge, functional studies have not been reported for this variant. This variant has not been reported in individuals affected with cardiovascular disorders in the literature. This variant has not been identified in the general population by the Genome Aggregation Database (gnomAD). The available evidence is insufficient to determine the role of this variant in disease conclusively. Therefore, this variant is classified as a Variant of Uncertain Significance.